The following is an entry in ClinVar:

ClinVar aggregate classification (germline): Uncertain significance (1 of 4 stars; one submission).

Conditions:
Hereditary cancer-predisposing syndrome. Also called: Hereditary Cancer Syndrome; Tumor predisposition; Hereditary neoplastic syndrome; Neoplastic Syndromes, Hereditary. Identifiers: Orphanet 140162, MedGen C0027672, MeSH D009386, MONDO:0015356.
Cardiovascular phenotype. Identifiers: MedGen CN230736.

Submission:

Ambry Genetics
Classification: Uncertain significance for Cardiovascular phenotype; Hereditary cancer-predisposing syndrome. Last evaluated: 2024-08-15. Review status: criteria provided, single submitter. Criteria: Ambry Variant Classification Scheme 2023. Collection method: clinical testing. Allele origin: germline.
Comment: The c.3708+3A>C intronic variant results from an A to C substitution 3 nucleotides after coding exon 27 in the NF1 gene. This nucleotide position is well conserved in available vertebrate species. In silico splice site analysis predicts that this alteration will weaken the native splice donor site. Based on the available evidence, the clinical significance of this variant remains unclear.

NM_001042492.3(NF1):c.3708+3A>C

Gene: NF1 (neurofibromin 1; plus strand). Cytogenetic location: 17q11.2.
Variant type: single nucleotide variant.
Coding change: c.3708+3A>C on transcript NM_001042492.3 (MANE Select); 3 bases into the intron after coding-DNA position 3708, A replaced by C.
Molecular consequence: intron variant.
Genome position (GRCh38, 1-based): chr17:31,233,216, A>C. VCF-style: chr17-31233216-A-C. GRCh37 (hg19) VCF-style: chr17-29560234-A-C.
Other names: c.3708+3A>C (NM_000267.4).
Identifiers: ClinVar variation 3404688 (VCV003404688.1).